The following is an entry in ClinVar:

ClinVar aggregate classification (germline): Pathogenic (1 of 4 stars; one submission).

Submission:

Labcorp Genetics (formerly Invitae), Labcorp
Classification: Pathogenic. Last evaluated: 2021-09-20. Review status: criteria provided, single submitter. Criteria: Invitae Variant Classification Sherloc (09022015). Collection method: clinical testing. Allele origin: germline.
Comment: For these reasons, this variant has been classified as Pathogenic. This variant has not been reported in the literature in individuals affected with SEPSECS-related conditions. This variant is a gross deletion of the genomic region encompassing exon(s) 9 of the SEPSECS gene. This deletion is out-of-frame, and is expected to create a premature termination codon and result in an absent or disrupted protein product. Loss-of-function variants in SEPSECS are known to be pathogenic (PMID: 25558065, 25590979, 26115735).

Literature cited by the submitters: PubMed 25558065; PubMed 25590979; PubMed 26115735.

NC_000004.11:g.(?_25128876)_(25128989_?)del

Gene: SEPSECS (Sep (O-phosphoserine) tRNA:Sec (selenocysteine) tRNA synthase; minus strand). Cytogenetic location: 4p15.2.
Variant type: Deletion.
Identifiers: ClinVar variation 1454026 (VCV001454026.4).